The following is an entry in ClinVar:

NM_000297.4(PKD2):c.1548+5G>A

Gene: PKD2 (polycystin 2, transient receptor potential cation channel; plus strand). Cytogenetic location: 4q22.1.
Variant type: single nucleotide variant.
Coding change: c.1548+5G>A on transcript NM_000297.4 (MANE Select); 5 bases into the intron after coding-DNA position 1548, G replaced by A.
Molecular consequence: intron variant.
Genome position (GRCh38, 1-based): chr4:88,046,875, G>A. VCF-style: chr4-88046875-G-A. GRCh37 (hg19) VCF-style: chr4-88968027-G-A.
Identifiers: ClinVar variation 3895599 (VCV003895599.1).

ClinVar aggregate classification (germline): Uncertain significance (1 of 4 stars; one submission).

gnomAD v4.1: 1 of 1,540,834 alleles (0.000065%); highest among the groups gnomAD compares: Admixed American, 0.0017%; no homozygotes.

Submission:

Women's Health and Genetics/Laboratory Corporation of America, LabCorp
Classification: Uncertain significance. Last evaluated: 2025-03-17. Review status: criteria provided, single submitter. Criteria: LabCorp Variant Classification Summary - May 2015. Collection method: clinical testing. Allele origin: germline.
Comment: Variant summary: PKD2 c.1548+5G>A alters a conserved nucleotide located close to a canonical splice site and therefore could affect mRNA splicing, leading to a significantly altered protein sequence. Computational tools predict a significant impact on normal splicing: Two predict the variant abolishes a canonical 5' splicing donor site. One predicts the variant weakens this site. However, these predictions have yet to be confirmed by functional studies. The variant was absent in 251074 control chromosomes (gnomAD). The available data on variant occurrences in the general population are insufficient to allow any conclusion about variant significance. To our knowledge, no occurrence of c.1548+5G>A in individuals affected with Polycystic Kidney Disease 2 and no experimental evidence demonstrating its impact on protein function have been reported. No submitters have cited clinical-significance assessments for this variant to ClinVar. Based on the evidence outlined above, the variant was classified as uncertain significance.